The following is an entry in ClinVar:

ClinVar aggregate classification (germline): Uncertain significance (1 of 4 stars; one submission).

Conditions:
Hereditary cancer-predisposing syndrome. Also called: Hereditary Cancer Syndrome; Hereditary neoplastic syndrome; Tumor predisposition; Neoplastic Syndromes, Hereditary. Identifiers: Orphanet 140162, MedGen C0027672, MeSH D009386, MONDO:0015356.
Cardiovascular phenotype. Identifiers: MedGen CN230736.

Submission:

Ambry Genetics
Classification: Uncertain significance for Cardiovascular phenotype; Hereditary cancer-predisposing syndrome. Last evaluated: 2024-07-24. Review status: criteria provided, single submitter. Criteria: Ambry Variant Classification Scheme 2023. Collection method: clinical testing. Allele origin: germline.
Comment: The c.1645_1650dupGATGTG variant (also known as p.D549_V550dup), located in coding exon 15 of the LZTR1 gene, results from an in-frame duplication of GATGTG at nucleotide positions 1645 to 1650. This results in the duplication of 2 extra residues (DV) between codons 549 and 550. This amino acid region is highly conserved in available vertebrate species. In addition, this alteration is predicted to be deleterious by in silico analysis (Choi Y et al. PLoS ONE. 2012; 7(10):e46688). Based on the available evidence, the clinical significance of this variant remains unclear.

NM_006767.4(LZTR1):c.1645_1650dup (p.Val550_Tyr551insAspVal)

Gene: LZTR1 (leucine zipper like post translational regulator 1; plus strand). Cytogenetic location: 22q11.21.
Variant type: Duplication.
Coding change: c.1645_1650dup on transcript NM_006767.4 (MANE Select); coding-DNA positions 1645 to 1650, 6 bases duplicated (GATGTG; older notation c.1645_1650dupGATGTG).
Protein change: p.Val550_Tyr551insAspVal.
Genome position (GRCh38, 1-based): chr22:20,994,587-20,994,592, GATGTG duplicated; duplicating any 6 consecutive bases within chr22:20,994,585-20,994,592 gives the same sequence; the c. name uses the placement nearest the transcript's 3' end. VCF-style (leftmost placement, unchanged base first): chr22-20994584-A-ATGGATG. GRCh37 (hg19) VCF-style: chr22-21348873-A-ATGGATG.
Identifiers: ClinVar variation 3541574 (VCV003541574.1).